The following is an entry in ClinVar:

NM_001379500.1(COL18A1):c.1290C>T (p.Asp430=)

Gene: COL18A1 (collagen type XVIII alpha 1 chain; plus strand). Cytogenetic location: 21q22.3.
Variant type: single nucleotide variant.
Coding change: c.1290C>T on transcript NM_001379500.1 (MANE Select); coding-DNA position 1290, C replaced by T.
Protein change: p.Asp430=; no amino-acid change (aspartic acid 430 retained).
Molecular consequence: synonymous variant.
Genome position (GRCh38, 1-based): chr21:45,479,943, C>T. VCF-style: chr21-45479943-C-T. GRCh37 (hg19) VCF-style: chr21-46899857-C-T.
Other names: NM_130445.2:c.1290C>T; c.1830C>T, p.Asp610= (NM_030582.4); c.2535C>T, p.Asp845= (NM_130444.3).
Identifiers: ClinVar variation 340217 (VCV000340217.17), dbSNP rs1131101, ClinGen allele CA10066222.
Genomic context (GRCh38, chr21:45,479,943, plus strand): 5'-CCCGGATGTTGTGTTCCAGGGCGACACCGGGCCACAAGGCTTCCCCGGGACTCCAGGGGA[C>T]GTAGGTCCCAAGGGCGACAAGGTGAGTCTCCGTGGCTGGGTGGGGCCCCTTCCTGTGTTG-3'
Protein context (NP_001366429.1, residues 420-440): GPQGFPGTPG[Asp430=]VGPKGDKGDP

ClinVar aggregate classification (germline): Benign. Review status: criteria provided, multiple submitters, no conflicts (2 of 4 stars). 4 submissions from 4 submitters: Benign (4). Last evaluated 2026-02-04.

Conditions:
Knobloch syndrome (KNO). Also called: RETINAL DETACHMENT AND OCCIPITAL ENCEPHALOCELE; Myopia retinal detachment encephalocele. Identifiers: Orphanet 1571, MedGen C1849409, MONDO:0800166.

Allele frequency attached by ClinVar (database versions not stated): ExAC 0.08814; gnomAD 0.12402 and 0.12488; ESP Exome Variant Server 0.13061; TOPMed 0.13387; 1000 Genomes Project 30x 0.15615; gnomAD exomes 0.07334 and 0.08227; 1000 Genomes Project 0.15735.
gnomAD v4.1: 126,567 of 1,612,000 alleles (7.9%); highest among the groups gnomAD compares: African/African-American, 27%; 7,225 homozygotes.

Submissions (5):

Labcorp Genetics (formerly Invitae), Labcorp
Classification: Benign. Last evaluated: 2026-02-04. Review status: criteria provided, single submitter. Criteria: Invitae Variant Classification Sherloc (09022015). Collection method: clinical testing. Allele origin: germline.

GeneDx
Classification: Benign. Last evaluated: 2021-05-04. Review status: criteria provided, single submitter. Criteria: GeneDx Variant Classification Process June 2021. Collection method: clinical testing. Allele origin: germline. Affected: yes.

Illumina Laboratory Services, Illumina
Classification: Benign for Knobloch syndrome 1. Last evaluated: 2018-01-12. Review status: criteria provided, single submitter. Criteria: ICSL Variant Classification Criteria 13 December 2019. Collection method: clinical testing. Allele origin: germline.
Comment: This variant was observed in the ICSL laboratory as part of a predisposition screen in an ostensibly healthy population. It had not been previously curated by ICSL or reported in the Human Gene Mutation Database (HGMD: prior to June 1st, 2018), and was therefore a candidate for classification through an automated scoring system. Utilizing variant allele frequency, disease prevalence and penetrance estimates, and inheritance mode, an automated score was calculated to assess if this variant is too frequent to cause the disease. Based on the score and internal cut-off values, a variant classified as benign is not then subjected to further curation. The score for this variant resulted in a classification of benign for this disease.

Breakthrough Genomics
Classification: Benign. Review status: criteria provided, single submitter. Criteria: ACMG Guidelines, 2015. Collection method: not provided. Allele origin: germline. Inheritance: Autosomal recessive inheritance. Affected: yes.

Dr. Peter K. Rogan Lab, Western University
No classification provided (evidence only). Condition: Familial cancer of breast. Review status: no classification provided. Collection method: in vitro. Allele origin: not applicable. Functional consequence: retained intron. Not counted in ClinVar's aggregate classification.